The following is an entry in ClinVar:

NM_000685.5(AGTR1):c.*70T>G

Gene: AGTR1 (angiotensin II receptor type 1; plus strand). Cytogenetic location: 3q24.
Variant type: single nucleotide variant.
Coding change: c.*70T>G on transcript NM_000685.5 (MANE Select); 70 bases downstream of the stop codon, T replaced by G.
Molecular consequence: 3 prime UTR variant.
Genome position (GRCh38, 1-based): chr3:148,742,185, T>G. VCF-style: chr3-148742185-T-G. GRCh37 (hg19) VCF-style: chr3-148459972-T-G.
Other names: c.*70T>G (NM_001382736.1, NM_001382737.1, NM_004835.5 and 3 more transcripts).
Identifiers: ClinVar variation 343677 (VCV000343677.8), dbSNP rs5185, ClinGen allele CA2657453.
Genomic context (GRCh38, chr3:148,742,185, plus strand): 5'-AACCTGTCCATAAAGTAATTTTGTGAAAGAAGGAGCAAGAGAACATTCCTCTGCAGCACT[T>G]CACTACCAAATGAGCATTAGCTACTTTTCAGAATTGAAGGAGAAAATGCATTATGTGGAC-3'

ClinVar aggregate classification (germline): Benign. Review status: criteria provided, multiple submitters, no conflicts (2 of 4 stars). 3 submissions from 3 submitters: Benign (3). Last evaluated 2021-06-19.

Conditions:
Renal tubular dysgenesis. Also called: Renotubular dysgenesis. Identifiers: Orphanet 3033, MedGen C0266313, MONDO:0017609, HP:0008660.

Allele frequency attached by ClinVar (database versions not stated): gnomAD exomes 0.00243 and 0.00666; ExAC 0.00780; ESP Exome Variant Server 0.02285; gnomAD 0.02434 and 0.02605; TOPMed 0.02704; 1000 Genomes Project 0.02855; 1000 Genomes Project 30x 0.03123.
gnomAD v4.1: 7,356 of 1,579,208 alleles (0.47%); highest among the groups gnomAD compares: African/African-American, 8.2%; 286 homozygotes.

Submissions (3):

GeneDx
Classification: Benign. Last evaluated: 2021-06-19. Review status: criteria provided, single submitter. Criteria: GeneDx Variant Classification Process June 2021. Collection method: clinical testing. Allele origin: germline. Affected: yes.

Illumina Laboratory Services, Illumina
Classification: Benign for Renal tubular dysgenesis of genetic origin. Last evaluated: 2018-01-13. Review status: criteria provided, single submitter. Criteria: ICSL Variant Classification Criteria 13 December 2019. Collection method: clinical testing. Allele origin: germline.
Comment: This variant was observed in the ICSL laboratory as part of a predisposition screen in an ostensibly healthy population. It had not been previously curated by ICSL or reported in the Human Gene Mutation Database (HGMD: prior to June 1st, 2018), and was therefore a candidate for classification through an automated scoring system. Utilizing variant allele frequency, disease prevalence and penetrance estimates, and inheritance mode, an automated score was calculated to assess if this variant is too frequent to cause the disease. Based on the score and internal cut-off values, a variant classified as benign is not then subjected to further curation. The score for this variant resulted in a classification of benign for this disease.

Breakthrough Genomics
Classification: Benign. Review status: criteria provided, single submitter. Criteria: ACMG Guidelines, 2015. Collection method: not provided. Allele origin: germline. Inheritance: Autosomal recessive inheritance. Affected: yes.